The following is an entry in ClinVar:

ClinVar aggregate classification (germline): Uncertain significance (1 of 4 stars; one submission).

gnomAD v4.1: 2 of 1,610,788 alleles (0.00012%); highest among the groups gnomAD compares: Non-Finnish European, 0.00017%; no homozygotes.

Submission:

Labcorp Genetics (formerly Invitae), Labcorp
Classification: Uncertain significance. Last evaluated: 2022-02-11. Review status: criteria provided, single submitter. Criteria: Invitae Variant Classification Sherloc (09022015). Collection method: clinical testing. Allele origin: germline.
Comment: This sequence change replaces serine, which is neutral and polar, with threonine, which is neutral and polar, at codon 3815 of the USH2A protein (p.Ser3815Thr). This variant is not present in population databases (gnomAD no frequency). This variant has not been reported in the literature in individuals affected with USH2A-related conditions. ClinVar contains an entry for this variant (Variation ID: 861056). Algorithms developed to predict the effect of missense changes on protein structure and function (SIFT, PolyPhen-2, Align-GVGD) all suggest that this variant is likely to be tolerated. In summary, the available evidence is currently insufficient to determine the role of this variant in disease. Therefore, it has been classified as a Variant of Uncertain Significance.

NM_206933.4(USH2A):c.11444G>C (p.Ser3815Thr)

Gene: USH2A (usherin; minus strand). Cytogenetic location: 1q41.
Variant type: single nucleotide variant.
Coding change: c.11444G>C on transcript NM_206933.4 (MANE Select); coding-DNA position 11444, G replaced by C.
Protein change: p.Ser3815Thr; replaces serine 3815 with threonine.
Molecular consequence: missense variant.
Genome position (GRCh38, 1-based): chr1:215,743,281, C>G on the plus strand (G>C on the coding strand, the complement: USH2A is on the minus strand). VCF-style: chr1-215743281-C-G. GRCh37 (hg19) VCF-style: chr1-215916623-C-G.
Other names: short protein forms S3815T.
Identifiers: ClinVar variation 861056 (VCV000861056.6), dbSNP rs1660357497, ClinGen allele CA344835271.